The following is an entry in ClinVar:

NM_002049.4(GATA1):c.572G>A (p.Arg191His)

Gene: GATA1 (GATA binding protein 1; plus strand). Cytogenetic location: Xp11.23.
Variant type: single nucleotide variant.
Coding change: c.572G>A on transcript NM_002049.4 (MANE Select); coding-DNA position 572, G replaced by A.
Protein change: p.Arg191His; replaces arginine 191 with histidine.
Molecular consequence: missense variant.
Genome position (GRCh38, 1-based): chrX:48,792,195, G>A. VCF-style: chrX-48792195-G-A. GRCh37 (hg19) VCF-style: chrX-48650602-G-A.
Other names: short protein forms R191H.
Identifiers: ClinVar variation 2461824 (VCV002461824.5), dbSNP rs782160624, ClinGen allele CA10404620.

ClinVar aggregate classification (germline): Uncertain significance. Review status: criteria provided, multiple submitters, no conflicts (2 of 4 stars). 2 submissions from 2 submitters: Uncertain significance (2). Last evaluated 2023-03-17.

Conditions:
Inborn genetic diseases. Identifiers: MedGen C0950123, MeSH D030342.
GATA binding protein 1 related thrombocytopenia with dyserythropoiesis. Also called: GATA1-Related Cytopenia; GATA1-Related X-Linked Cytopenia. Identifiers: MedGen C1845837, MONDO:0100089.
Diamond-Blackfan anemia. Also called: Blackfan Diamond syndrome; Aregenerative anemia chronic congenital; Red cell aplasia, pure hereditary; Congenital hypoplastic anemia; Aase syndrome. Identifiers: Orphanet 124, MedGen C1260899, MeSH D029503, MONDO:0015253, HP:0004810.

Allele frequency attached by ClinVar (database versions not stated): gnomAD exomes below 0.00001; TOPMed below 0.00001; gnomAD 0.00001; ExAC 0.00002.

Submissions (2):

Labcorp Genetics (formerly Invitae), Labcorp
Classification: Uncertain significance for GATA binding protein 1 related thrombocytopenia with dyserythropoiesis; Diamond-Blackfan anemia. Last evaluated: 2023-03-17. Review status: criteria provided, single submitter. Criteria: Invitae Variant Classification Sherloc (09022015). Collection method: clinical testing. Allele origin: germline.
Comment: In summary, the available evidence is currently insufficient to determine the role of this variant in disease. Therefore, it has been classified as a Variant of Uncertain Significance. Advanced modeling of protein sequence and biophysical properties (such as structural, functional, and spatial information, amino acid conservation, physicochemical variation, residue mobility, and thermodynamic stability) performed at Invitae indicates that this missense variant is not expected to disrupt GATA1 protein function. This variant has not been reported in the literature in individuals affected with GATA1-related conditions. This variant is present in population databases (rs782160624, gnomAD 0.005%). This sequence change replaces arginine, which is basic and polar, with histidine, which is basic and polar, at codon 191 of the GATA1 protein (p.Arg191His).

Ambry Genetics
Classification: Uncertain significance for Inborn genetic diseases. Last evaluated: 2023-02-16. Review status: criteria provided, single submitter. Criteria: Ambry Variant Classification Scheme 2023. Collection method: clinical testing. Allele origin: germline.